The following is an entry in ClinVar:

NM_000038.6(APC):c.6396A>G (p.Ser2132=)

Gene: APC (APC regulator of Wnt signaling pathway; plus strand). Cytogenetic location: 5q22.2.
Variant type: single nucleotide variant.
Coding change: c.6396A>G on transcript NM_000038.6 (MANE Select); coding-DNA position 6396, A replaced by G.
Protein change: p.Ser2132=; no amino-acid change (serine 2132 retained).
Molecular consequence: synonymous variant.
Genome position (GRCh38, 1-based): chr5:112,841,990, A>G. VCF-style: chr5-112841990-A-G. GRCh37 (hg19) VCF-style: chr5-112177687-A-G.
Other names: c.6396A>G, p.Ser2132= (NM_001127510.3, NM_001354895.2); c.6342A>G, p.Ser2114= (NM_001127511.3); c.6450A>G, p.Ser2150= (NM_001354896.2); c.6426A>G, p.Ser2142= (NM_001354897.2); c.6321A>G, p.Ser2107= (NM_001354898.2); c.6312A>G, p.Ser2104= (NM_001354899.2); c.6273A>G, p.Ser2091= (NM_001354900.2); c.6219A>G, p.Ser2073= (NM_001354901.2); and 5 more.
Identifiers: ClinVar variation 482495 (VCV000482495.11), dbSNP rs1554087396, ClinGen allele CA446210413.
Genomic context (GRCh38, chr5:112,841,990, plus strand): 5'-AAGTAGTTTACATCAAGCTGCTGCTGCTGCATGTTTATCTAGACAAGCTTCGTCTGATTC[A>G]GATTCCATCCTTTCCCTGAAATCAGGAATCTCTCTGGGATCACCATTTCATCTTACACCT-3'
Protein context (NP_000029.2, residues 2122-2142): ACLSRQASSD[Ser2132=]DSILSLKSGI

ClinVar aggregate classification (germline): Benign/Likely benign. Review status: criteria provided, multiple submitters, no conflicts (2 of 4 stars). 5 submissions from 5 submitters: Benign (1); Likely benign (4). Last evaluated 2026-01-07.

Conditions:
Classic or attenuated familial adenomatous polyposis. Identifiers: MedGen CN372698, MONDO:0021057.
Hereditary cancer-predisposing syndrome. Also called: Neoplastic Syndromes, Hereditary; Tumor predisposition; Hereditary Cancer Syndrome; Hereditary neoplastic syndrome. Identifiers: Orphanet 140162, MedGen C0027672, MeSH D009386, MONDO:0015356.
Familial adenomatous polyposis 1 (FAP1). Also called: FAMILIAL ADENOMATOUS POLYPOSIS 1, ATTENUATED; POLYPOSIS, ADENOMATOUS INTESTINAL. Identifiers: MedGen C2713442, MONDO:0021056, OMIM 175100. Disease mechanism: loss of function.

Allele frequency attached by ClinVar (database versions not stated): gnomAD exomes below 0.00001.
gnomAD v4.1: 1 of 1,613,326 alleles (0.000062%); highest among the groups gnomAD compares: South Asian, 0.0011%; no homozygotes.

Submissions (5):

Labcorp Genetics (formerly Invitae), Labcorp
Classification: Likely benign for Familial adenomatous polyposis 1. Last evaluated: 2026-01-07. Review status: criteria provided, single submitter. Criteria: Invitae Variant Classification Sherloc (09022015). Collection method: clinical testing. Allele origin: germline.

Myriad Genetics, Inc.
Classification: Benign for Familial adenomatous polyposis 1. Last evaluated: 2024-04-04. Review status: criteria provided, single submitter. Criteria: Myriad Autosomal Dominant, Autosomal Recessive and X-Linked Classification Criteria (2023). Collection method: clinical testing. Allele origin: unknown.
Comment: This variant is considered benign. This variant is a silent/synonymous amino acid change and it is not expected to impact splicing.

All of Us Research Program, National Institutes of Health
Classification: Likely benign for Classic or attenuated familial adenomatous polyposis. Last evaluated: 2024-03-24. Review status: criteria provided, single submitter. Criteria: ACMG Guidelines, 2015. Collection method: clinical testing. Allele origin: germline. Inheritance: Autosomal dominant inheritance. Observed: 1 variant allele, 1 heterozygote.
Comment: This study involves interpretation of variants in research participants for the purpose of population health screening. Participant phenotype was not available at the time of variant classification. Additional details can be found in publication PMID: 35346344, PMCID: PMC8962531

Color Diagnostics, LLC DBA Color Health
Classification: Likely benign for Hereditary cancer-predisposing syndrome. Last evaluated: 2024-03-19. Review status: criteria provided, single submitter. Criteria: ACMG Guidelines, 2015. Collection method: clinical testing. Allele origin: germline.

Ambry Genetics
Classification: Likely benign for Hereditary cancer-predisposing syndrome. Last evaluated: 2017-07-07. Review status: criteria provided, single submitter. Criteria: Ambry Variant Classification Scheme 2023. Collection method: clinical testing. Allele origin: germline.